The following is an entry in ClinVar:

ClinVar aggregate classification (germline): Uncertain significance (1 of 4 stars; one submission).

Conditions:
CEP290-related disorder. Also called: CEP290-related condition; CEP290-related disorders. Identifiers: MedGen CN239314.

Submission:

PreventionGenetics, part of Exact Sciences
Classification: Uncertain significance for CEP290-related condition. Last evaluated: 2026-06-23. Review status: criteria provided, single submitter. Criteria: ACMG Guidelines, 2015. Collection method: clinical testing. Allele origin: germline.
Comment: The CEP290 c.997A>G variant is predicted to result in the amino acid substitution p.Asn333Asp. To our knowledge, this variant has not been reported in the literature or in a large population database (gnomAD), indicating this variant is rare. At this time, the clinical significance of this variant is uncertain due to the absence of conclusive functional and genetic evidence.

NM_025114.4(CEP290):c.997A>G (p.Asn333Asp)

Gene: CEP290 (centrosomal protein 290; minus strand). Cytogenetic location: 12q21.32.
Variant type: single nucleotide variant.
Coding change: c.997A>G on transcript NM_025114.4 (MANE Select); coding-DNA position 997, A replaced by G.
Protein change: p.Asn333Asp; replaces asparagine 333 with aspartic acid.
Molecular consequence: missense variant.
Genome position (GRCh38, 1-based): chr12:88,126,384, T>C on the plus strand (A>G on the coding strand, the complement: CEP290 is on the minus strand). VCF-style: chr12-88126384-T-C. GRCh37 (hg19) VCF-style: chr12-88520161-T-C.
Other names: short protein forms N333D.
Identifiers: ClinVar variation 4996565 (VCV004996565.1).